The following is an entry in ClinVar:

ClinVar aggregate classification (germline): Likely benign. Review status: criteria provided, multiple submitters, no conflicts (2 of 4 stars). 2 submissions from 2 submitters: Likely benign (2). Last evaluated 2025-02-01.

Conditions:
Inborn genetic diseases. Identifiers: MedGen C0950123, MeSH D030342.

Allele frequency attached by ClinVar (database versions not stated): 1000 Genomes Project 0.00020; ExAC 0.00058; 1000 Genomes Project 30x 0.00062; TOPMed 0.00086; gnomAD 0.00090; gnomAD exomes 0.00128.
gnomAD v4.1: 1,904 of 1,535,582 alleles (0.12%); highest among the groups gnomAD compares: Non-Finnish European, 0.15%; 3 homozygotes.

Submissions (2):

CeGaT Center for Human Genetics Tuebingen
Classification: Likely benign. Last evaluated: 2025-02-01. Review status: criteria provided, single submitter. Criteria: CeGaT Center For Human Genetics Tuebingen Variant Classification Criteria Version 2. Collection method: clinical testing. Allele origin: germline. Affected: yes. Observed: 1 variant allele.
Comment: PPFIBP1: BS2

Ambry Genetics
Classification: Likely benign for Inborn genetic diseases. Last evaluated: 2022-08-30. Review status: criteria provided, single submitter. Criteria: Ambry Variant Classification Scheme 2023. Collection method: clinical testing. Allele origin: germline.

NM_003622.4(PPFIBP1):c.696+355G>A

Gene: PPFIBP1 (PPFIB scaffold protein 1; plus strand). Cytogenetic location: 12p11.22.
Variant type: single nucleotide variant.
Coding change: c.696+355G>A on transcript NM_003622.4 (MANE Select); 355 bases into the intron after coding-DNA position 696, G replaced by A.
Molecular consequence: intron variant. On other transcripts: missense variant (2).
Genome position (GRCh38, 1-based): chr12:27,655,169, G>A. VCF-style: chr12-27655169-G-A. GRCh37 (hg19) VCF-style: chr12-27808102-G-A.
Other names: c.264G>A, p.Met88Ile (NM_001198915.2); c.723G>A, p.Met241Ile (NM_177444.3); c.696+355G>A (NM_001198916.2); short protein forms M88I, M241I.
Identifiers: ClinVar variation 2344024 (VCV002344024.15), dbSNP rs200359000, ClinGen allele CA6493174.